The following is an entry in ClinVar:

ClinVar aggregate classification (germline): Uncertain significance (1 of 4 stars; one submission).

Conditions:
Renal cell carcinoma. Identifiers: Orphanet 217071, MedGen C0007134, MeSH D002292, MONDO:0005086, HP:0005584.

Submission:

Labcorp Genetics (formerly Invitae), Labcorp
Classification: Uncertain significance for Renal cell carcinoma. Last evaluated: 2024-01-10. Review status: criteria provided, single submitter. Criteria: Invitae Variant Classification Sherloc (09022015). Collection method: clinical testing. Allele origin: germline.
Comment: This sequence change creates a premature translational stop signal (p.Ser156Trpfs*11) in the MET gene. It is expected to result in an absent or disrupted protein product. However, the current clinical and genetic evidence is not sufficient to establish whether loss-of-function variants in MET cause disease. This variant is not present in population databases (gnomAD no frequency). This variant has not been reported in the literature in individuals affected with MET-related conditions. In summary, the available evidence is currently insufficient to determine the role of this variant in disease. Therefore, it has been classified as a Variant of Uncertain Significance.

NM_000245.4(MET):c.467del (p.Ser156fs)

Gene: MET (MET proto-oncogene, receptor tyrosine kinase; plus strand). Cytogenetic location: 7q31.2.
Variant type: Deletion.
Coding change: c.467del on transcript NM_000245.4 (MANE Select); coding-DNA position 467, one base deleted (C; older notation c.467delC).
Protein change: p.Ser156fs; shifts the reading frame from serine 156.
Molecular consequence: frameshift variant. On other transcripts: intron variant (1).
Genome position (GRCh38, 1-based): chr7:116,699,551, C deleted. VCF-style (leftmost placement, unchanged base first): chr7-116699550-TC-T. GRCh37 (hg19) VCF-style: chr7-116339604-TC-T.
Other names: c.467del, p.Ser156fs (NM_001127500.3, NM_001324401.3); c.-91+26974del (NM_001324402.2); short protein forms S156fs.
Identifiers: ClinVar variation 2708692 (VCV002708692.3), dbSNP rs2485509686, ClinGen allele CA2697557546.